The following is an entry in ClinVar:

NM_007294.4(BRCA1):c.2642A>G (p.Glu881Gly)

Gene: BRCA1 (BRCA1 DNA repair associated; minus strand). Cytogenetic location: 17q21.31.
Variant type: single nucleotide variant.
Coding change: c.2642A>G on transcript NM_007294.4 (MANE Select); coding-DNA position 2642, A replaced by G.
Protein change: p.Glu881Gly; replaces glutamic acid 881 with glycine.
Molecular consequence: missense variant. On other transcripts: intron variant (137).
Genome position (GRCh38, 1-based): chr17:43,092,889, T>C on the plus strand (A>G on the coding strand, the complement: BRCA1 is on the minus strand). VCF-style: chr17-43092889-T-C. GRCh37 (hg19) VCF-style: chr17-41244906-T-C.
Other names: c.577+1855A>G (NM_001408492.1, NM_001408513.1, NM_001408481.1 and 9 more transcripts); c.2519A>G, p.Glu840Gly (NM_001407674.1, NM_001407675.1, NM_001407676.1 and 19 more transcripts); c.643+1855A>G (NM_001408468.1, NM_001408470.1, NM_001408464.1 and 3 more transcripts); c.523+1855A>G (NM_001408501.1, NM_001408500.1, NM_001408497.1 and 3 more transcripts); c.646+1855A>G (NM_001408455.1, NM_001408466.1, NM_001408452.1 and 11 more transcripts); c.520+1855A>G (NM_001408503.1, NM_001408505.1, NM_001408504.1); c.787+1855A>G (NM_001407973.1, NM_001407980.1, NM_001407993.1 and 17 more transcripts); c.2516A>G, p.Glu839Gly (NM_001407685.1, NM_001407686.1, NM_001407687.1 and 11 more transcripts); and 41 more; short protein forms E713G, E754G, E770G, E814G, E840G, E753G, E793G, E810G.
Identifiers: ClinVar variation 2831991 (VCV002831991.3), dbSNP rs2154367175, ClinGen allele CA10596710.

ClinVar aggregate classification (germline): Uncertain significance (1 of 4 stars; one submission).

Conditions:
Hereditary breast ovarian cancer syndrome. Also called: Hereditary breast and ovarian cancer; BRCA1- and BRCA2-Associated Hereditary Breast and Ovarian Cancer; Hereditary breast and ovarian cancer syndrome; Hereditary breast and ovarian cancer syndrome (HBOC); Breast and ovarian cancer; Hereditary breast and/or ovarian cancer syndrome. Identifiers: Orphanet 145, MedGen C0677776, MeSH D061325, MONDO:0003582. Disease mechanism: loss of function.

Submission:

Labcorp Genetics (formerly Invitae), Labcorp
Classification: Uncertain significance for Hereditary breast ovarian cancer syndrome. Last evaluated: 2023-01-26. Review status: criteria provided, single submitter. Criteria: Invitae Variant Classification Sherloc (09022015). Collection method: clinical testing. Allele origin: germline.
Comment: This variant is not present in population databases (gnomAD no frequency). This variant has not been reported in the literature in individuals affected with BRCA1-related conditions. Advanced modeling of protein sequence and biophysical properties (such as structural, functional, and spatial information, amino acid conservation, physicochemical variation, residue mobility, and thermodynamic stability) performed at Invitae indicates that this missense variant is not expected to disrupt BRCA1 protein function. In summary, the available evidence is currently insufficient to determine the role of this variant in disease. Therefore, it has been classified as a Variant of Uncertain Significance. This sequence change replaces glutamic acid, which is acidic and polar, with glycine, which is neutral and non-polar, at codon 881 of the BRCA1 protein (p.Glu881Gly).